The following is an entry in ClinVar:

NM_177438.3(DICER1):c.5602A>T (p.Ser1868Cys)

Gene: DICER1 (dicer 1, ribonuclease III; minus strand). Cytogenetic location: 14q32.13.
Variant type: single nucleotide variant.
Coding change: c.5602A>T on transcript NM_177438.3 (MANE Select); coding-DNA position 5602, A replaced by T.
Protein change: p.Ser1868Cys; replaces serine 1868 with cysteine.
Molecular consequence: missense variant.
Genome position (GRCh38, 1-based): chr14:95,091,035, T>A on the plus strand (A>T on the coding strand, the complement: DICER1 is on the minus strand). VCF-style: chr14-95091035-T-A. GRCh37 (hg19) VCF-style: chr14-95557372-T-A.
Other names: c.5439A>T, p.Leu1813Phe (NM_001195573.1); c.5602A>T, p.Ser1868Cys (NM_001271282.3, NM_001291628.2, NM_030621.4); short protein forms S1868C, L1813F.
Identifiers: ClinVar variation 825847 (VCV000825847.8), dbSNP rs1595312724, ClinGen allele CA390863988.

ClinVar aggregate classification (germline): Uncertain significance. Review status: criteria provided, multiple submitters, no conflicts (2 of 4 stars). 2 submissions from 2 submitters: Uncertain significance (2). Last evaluated 2023-01-23.

Conditions:
DICER1-related tumor predisposition. Also called: DICER1-related pleuropulmonary blastoma cancer predisposition syndrome; DICER1 syndrome. Identifiers: Orphanet 284343, MedGen C3839822, MONDO:0100216.
Hereditary cancer-predisposing syndrome. Also called: Neoplastic Syndromes, Hereditary; Hereditary Cancer Syndrome; Hereditary neoplastic syndrome; Tumor predisposition. Identifiers: Orphanet 140162, MedGen C0027672, MeSH D009386, MONDO:0015356.

Submissions (2):

Ambry Genetics
Classification: Uncertain significance for Hereditary cancer-predisposing syndrome. Last evaluated: 2023-01-23. Review status: criteria provided, single submitter. Criteria: Ambry Variant Classification Scheme 2023. Collection method: clinical testing. Allele origin: germline.
Comment: The p.S1868C variant (also known as c.5602A>T), located in coding exon 25 of the DICER1 gene, results from an A to T substitution at nucleotide position 5602. The serine at codon 1868 is replaced by cysteine, an amino acid with dissimilar properties. This amino acid position is highly conserved in available vertebrate species. In addition, this alteration is predicted to be tolerated by in silico analysis. Since supporting evidence is limited at this time, the clinical significance of this alteration remains unclear.

Labcorp Genetics (formerly Invitae), Labcorp
Classification: Uncertain significance for DICER1-related tumor predisposition. Last evaluated: 2023-01-13. Review status: criteria provided, single submitter. Criteria: Invitae Variant Classification Sherloc (09022015). Collection method: clinical testing. Allele origin: germline.
Comment: In summary, the available evidence is currently insufficient to determine the role of this variant in disease. Therefore, it has been classified as a Variant of Uncertain Significance. Algorithms developed to predict the effect of missense changes on protein structure and function (SIFT, PolyPhen-2, Align-GVGD) all suggest that this variant is likely to be disruptive. ClinVar contains an entry for this variant (Variation ID: 825847). This variant has not been reported in the literature in individuals affected with DICER1-related conditions. This variant is not present in population databases (gnomAD no frequency). This sequence change replaces serine, which is neutral and polar, with cysteine, which is neutral and slightly polar, at codon 1868 of the DICER1 protein (p.Ser1868Cys).